The following is an entry in ClinVar:

NM_198576.4(AGRN):c.1652G>A (p.Gly551Glu)

Gene: AGRN (agrin; plus strand). Cytogenetic location: 1p36.33.
Variant type: single nucleotide variant.
Coding change: c.1652G>A on transcript NM_198576.4 (MANE Select); coding-DNA position 1652, G replaced by A.
Protein change: p.Gly551Glu; replaces glycine 551 with glutamic acid.
Molecular consequence: missense variant.
Genome position (GRCh38, 1-based): chr1:1,043,586, G>A. VCF-style: chr1-1043586-G-A. GRCh37 (hg19) VCF-style: chr1-978966-G-A.
Other names: c.1652G>A, p.Gly551Glu (NM_001305275.2); c.1337G>A, p.Gly446Glu (NM_001364727.2); short protein forms G446E, G551E.
Identifiers: ClinVar variation 2007975 (VCV002007975.4), dbSNP rs2522688828, ClinGen allele CA337833189.
Genomic context (GRCh38, chr1:1,043,586, plus strand): 5'-GCTCCTCCCCAGACCGCTGCGGGCAGTGCCGCTTTGGAGCCCTGTGCGAGGCCGAGACCG[G>A]GCGCTGCGTGTGCCCCTCTGAATGCGTGGCTTTGGCCCAGCCCGTGTGTGGCTCCGACGG-3'
Protein context (NP_940978.2, residues 541-561): RFGALCEAET[Gly551Glu]RCVCPSECVA

ClinVar aggregate classification (germline): Uncertain significance (1 of 4 stars; one submission).

Conditions:
Congenital myasthenic syndrome 8. Also called: Myasthenic syndrome, congenital, 8, with pre- and postsynaptic defects; MYASTHENIC SYNDROME, CONGENITAL, DUE TO AGRIN DEFICIENCY. Identifiers: Orphanet 590, MedGen C3808739, MONDO:0014052, OMIM 615120.

Submission:

Labcorp Genetics (formerly Invitae), Labcorp
Classification: Uncertain significance for Congenital myasthenic syndrome 8. Last evaluated: 2025-04-14. Review status: criteria provided, single submitter. Criteria: Invitae Variant Classification Sherloc (09022015). Collection method: clinical testing. Allele origin: germline.
Comment: This sequence change replaces glycine, which is neutral and non-polar, with glutamic acid, which is acidic and polar, at codon 551 of the AGRN protein (p.Gly551Glu). This variant is not present in population databases (gnomAD no frequency). This variant has not been reported in the literature in individuals affected with AGRN-related conditions. ClinVar contains an entry for this variant (Variation ID: 2007975). An algorithm developed to predict the effect of missense changes on protein structure and function (PolyPhen-2) suggests that this variant is likely to be disruptive. In summary, the available evidence is currently insufficient to determine the role of this variant in disease. Therefore, it has been classified as a Variant of Uncertain Significance.